The following is an entry in ClinVar:

ClinVar aggregate classification (germline): Uncertain significance (1 of 4 stars; one submission).

gnomAD v4.1: 9 of 1,613,592 alleles (0.00056%); highest among the groups gnomAD compares: Admixed American, 0.013%; no homozygotes.

Submission:

Labcorp Genetics (formerly Invitae), Labcorp
Classification: Uncertain significance. Last evaluated: 2025-12-11. Review status: criteria provided, single submitter. Criteria: Invitae Variant Classification Sherloc (09022015). Collection method: clinical testing. Allele origin: germline.
Comment: This sequence change replaces alanine, which is neutral and non-polar, with valine, which is neutral and non-polar, at codon 212 of the DCDC1 protein (p.Ala212Val). This variant is present in population databases (rs764648755, gnomAD 0.02%). This variant has not been reported in the literature in individuals affected with DCDC1-related conditions. An algorithm developed to predict the effect of missense changes on protein structure and function (PolyPhen-2) suggests that this variant is likely to be disruptive. In summary, the available evidence is currently insufficient to determine the role of this variant in disease. Therefore, it has been classified as a Variant of Uncertain Significance.

NM_001387274.1(DCDC1):c.635C>T (p.Ala212Val)

Genes: DCDC1 (doublecortin domain containing 1; minus strand), LOC126861175 (CDK7 strongly-dependent group 2 enhancer GRCh37_chr11:31326823-31328022; plus strand). Cytogenetic location: 11p13.
Variant type: single nucleotide variant.
Coding change: c.635C>T on transcript NM_001387274.1 (MANE Select); coding-DNA position 635, C replaced by T.
Protein change: p.Ala212Val; replaces alanine 212 with valine.
Molecular consequence: missense variant. On other transcripts: non-coding transcript variant (1).
Genome position (GRCh38, 1-based): chr11:31,305,734, G>A on the plus strand (C>T on the coding strand, the complement: DCDC1 is on the minus strand). VCF-style: chr11-31305734-G-A. GRCh37 (hg19) VCF-style: chr11-31327281-G-A.
Other names: c.635C>T, p.Ala212Val (NM_001367979.1, NM_181807.4); short protein forms A212V.
Identifiers: ClinVar variation 4805076 (VCV004805076.1).